The following is an entry in ClinVar:

NM_032977.4(CASP10):c.786C>G (p.Asn262Lys)

Gene: CASP10 (caspase 10; plus strand). Cytogenetic location: 2q33.1.
Variant type: single nucleotide variant.
Coding change: c.786C>G on transcript NM_032977.4 (MANE Select); coding-DNA position 786, C replaced by G.
Protein change: p.Asn262Lys; replaces asparagine 262 with lysine.
Molecular consequence: missense variant. On other transcripts: intron variant (4).
Genome position (GRCh38, 1-based): chr2:201,205,946, C>G. VCF-style: chr2-201205946-C-G. GRCh37 (hg19) VCF-style: chr2-202070669-C-G.
Other names: c.786C>G, p.Asn262Lys (NM_032974.5); c.685-2129C>G (NM_001206542.2, NM_001230.5); c.722-2129C>G (NM_032976.4); c.721+2180C>G (NM_001206524.2); short protein forms N262K.
Identifiers: ClinVar variation 835257 (VCV000835257.12), dbSNP rs368675766, ClinGen allele CA63864007.

ClinVar aggregate classification (germline): Uncertain significance (1 of 4 stars; one submission).

Conditions:
Autoimmune lymphoproliferative syndrome type 2A (ALPS2A). Also called: Autoimmune lymphoproliferative syndrome type 2; CASP10-Related Autoimmune Lymphoproliferative Syndrome; AUTOIMMUNE LYMPHOPROLIFERATIVE SYNDROME, TYPE IIA. Identifiers: Orphanet 3261, MedGen C1858968, MONDO:0011383, OMIM 603909.

Allele frequency attached by ClinVar (database versions not stated): gnomAD 0.00001; TOPMed 0.00001; gnomAD exomes 0.00002; ESP Exome Variant Server 0.00008.
gnomAD v4.1: 30 of 1,612,666 alleles (0.0019%); highest among the groups gnomAD compares: Non-Finnish European, 0.0025%; no homozygotes.

Submission:

Labcorp Genetics (formerly Invitae), Labcorp
Classification: Uncertain significance for Autoimmune lymphoproliferative syndrome type 2A. Last evaluated: 2025-12-23. Review status: criteria provided, single submitter. Criteria: Invitae Variant Classification Sherloc (09022015). Collection method: clinical testing. Allele origin: germline.
Comment: This sequence change replaces asparagine, which is neutral and polar, with lysine, which is basic and polar, at codon 262 of the CASP10 protein (p.Asn262Lys). This variant is not present in population databases (gnomAD no frequency). This variant has not been reported in the literature in individuals affected with CASP10-related conditions. ClinVar contains an entry for this variant (Variation ID: 835257). Invitae Evidence Modeling of protein sequence and biophysical properties (such as structural, functional, and spatial information, amino acid conservation, physicochemical variation, residue mobility, and thermodynamic stability) indicates that this missense variant is not expected to disrupt CASP10 protein function with a negative predictive value of 80%. In summary, the available evidence is currently insufficient to determine the role of this variant in disease. Therefore, it has been classified as a Variant of Uncertain Significance.